The following is an entry in ClinVar:

ClinVar aggregate classification (germline): Benign (1 of 4 stars; one submission).

Allele frequency attached by ClinVar (database versions not stated): ExAC 0.34317; gnomAD exomes 0.34593 and 0.37248; gnomAD 0.45423 and 0.46071; TOPMed 0.47212; 1000 Genomes Project 0.48642; 1000 Genomes Project 30x 0.49438.

Submission:

GeneDx
Classification: Benign. Last evaluated: 2018-02-27. Review status: criteria provided, single submitter. Criteria: GeneDx Variant Classification (06012015). Collection method: clinical testing. Allele origin: germline. Affected: yes.
Comment: This variant is considered likely benign or benign based on one or more of the following criteria: it is a conservative change, it occurs at a poorly conserved position in the protein, it is predicted to be benign by multiple in silico algorithms, and/or has population frequency not consistent with disease.

NM_000796.6(DRD3):c.25= (p.Gly9=)

Gene: DRD3 (dopamine receptor D3; minus strand). Cytogenetic location: 3q13.31.
Variant type: single nucleotide variant.
Coding change: c.25= on transcript NM_000796.6 (MANE Select); coding-DNA position 25, no change from the reference sequence.
Protein change: p.Gly9=; no amino-acid change (glycine 9 retained).
Molecular consequence: no sequence alteration.
Genome position: GRCh38 VCF-style: chr3-114171968-C-C. GRCh37 (hg19) VCF-style: chr3-113890815-C-C.
Other names: c.25=, p.Gly9= (NM_001282563.2, NM_001290809.1, NM_033663.6).
Identifiers: ClinVar variation 515934 (VCV000515934.1), dbSNP rs6280.